The following is an entry in ClinVar:

NM_001048174.2(MUTYH):c.1546C>A (p.Leu516Ile)

Gene: MUTYH (mutY DNA glycosylase; minus strand). Cytogenetic location: 1p34.1.
Variant type: single nucleotide variant.
Coding change: c.1546C>A on transcript NM_001048174.2 (MANE Select); coding-DNA position 1546, C replaced by A.
Protein change: p.Leu516Ile; replaces leucine 516 with isoleucine.
Molecular consequence: missense variant. On other transcripts: non-coding transcript variant (7).
Genome position (GRCh38, 1-based): chr1:45,329,326, G>T on the plus strand (C>A on the coding strand, the complement: MUTYH is on the minus strand). VCF-style: chr1-45329326-G-T. GRCh37 (hg19) VCF-style: chr1-45794998-G-T.
Other names: c.1546C>A, p.Leu516Ile (NM_001048171.2, NM_001048173.2, NM_001293195.2 and 6 more transcripts); c.1549C>A, p.Leu517Ile (NM_001048172.2, NM_001407071.1, NM_001407078.1 and 1 more transcripts); c.1630C>A, p.Leu544Ile (NM_001128425.2); c.1591C>A, p.Leu531Ile (NM_001293190.2); c.1579C>A, p.Leu527Ile (NM_001293191.2, NM_001407069.1, NM_001407077.1); c.1270C>A, p.Leu424Ile (NM_001293192.2, NM_001293196.2, NM_001407091.1); c.1201C>A, p.Leu401Ile (NM_001350650.2, NM_001350651.2, NM_001407082.1); c.1462C>A, p.Leu488Ile (NM_001407075.1); and 5 more; short protein forms L503I, L517I, L523I, L541I, L544I, L401I, L516I, L527I.
Identifiers: ClinVar variation 4113468 (VCV004113468.1).

ClinVar aggregate classification (germline): Uncertain significance (1 of 4 stars; one submission).

Conditions:
Hereditary cancer-predisposing syndrome. Also called: Hereditary neoplastic syndrome; Neoplastic Syndromes, Hereditary; Tumor predisposition; Hereditary Cancer Syndrome. Identifiers: Orphanet 140162, MedGen C0027672, MeSH D009386, MONDO:0015356.

Submission:

Ambry Genetics
Classification: Uncertain significance for Hereditary cancer-predisposing syndrome. Last evaluated: 2025-08-27. Review status: criteria provided, single submitter. Criteria: Ambry Variant Classification Scheme 2023. Collection method: clinical testing. Allele origin: germline.
Comment: The p.L544I variant (also known as c.1630C>A), located in coding exon 16 of the MUTYH gene, results from a C to A substitution at nucleotide position 1630. The leucine at codon 544 is replaced by isoleucine, an amino acid with highly similar properties. This amino acid position is conserved. In addition, this alteration is predicted to be tolerated by in silico analysis. Based on the available evidence, the clinical significance of this variant remains unclear.